The following is an entry in ClinVar:

NM_001297595.2(SIN3B):c.25G>T (p.Gly9Cys)

Gene: SIN3B (SIN3 transcription regulator family member B; plus strand). Cytogenetic location: 19p13.11.
Variant type: single nucleotide variant.
Coding change: c.25G>T on transcript NM_001297595.2 (MANE Select); coding-DNA position 25, G replaced by T.
Protein change: p.Gly9Cys; replaces glycine 9 with cysteine.
Molecular consequence: missense variant.
Genome position (GRCh38, 1-based): chr19:16,829,445, G>T. VCF-style: chr19-16829445-G-T. GRCh37 (hg19) VCF-style: chr19-16940256-G-T.
Other names: c.25G>T, p.Gly9Cys (NM_015260.4); short protein forms G9C.
Identifiers: ClinVar variation 3342777 (VCV003342777.2).
Genomic context (GRCh38, chr19:16,829,445, plus strand): 5'-GCGGGGGCGGGGCGGGGCGCAGCTCCGACTTCGGACATGGCGCACGCTGGCGGTGGCAGC[G>T]GTGGCAGCGGTGCCGGCGGCCCCGCGGGCCGGGGGCTGAGCGGCGCCCGCTGGGGTCGCT-3'
Protein context (NP_001284524.1, residues 1-19): MAHAGGGS[Gly9Cys]GSGAGGPAGR

ClinVar aggregate classification (germline): Uncertain significance (1 of 4 stars; one submission).

Submission:

GeneDx
Classification: Uncertain significance. Last evaluated: 2024-10-21. Review status: criteria provided, single submitter. Criteria: GeneDx Variant Classification Process June 2021. Collection method: clinical testing. Allele origin: germline.
Comment: Not observed at significant frequency in large population cohorts (gnomAD); In silico analysis indicates that this missense variant does not alter protein structure/function; Has not been previously published as pathogenic or benign to our knowledge